The following is an entry in ClinVar:

NM_177531.6(PKHD1L1):c.11542G>C (p.Asp3848His)

Gene: PKHD1L1 (PKHD1 like 1; plus strand). Cytogenetic location: 8q23.2.
Variant type: single nucleotide variant.
Coding change: c.11542G>C on transcript NM_177531.6 (MANE Select); coding-DNA position 11542, G replaced by C.
Protein change: p.Asp3848His; replaces aspartic acid 3848 with histidine.
Molecular consequence: missense variant.
Genome position (GRCh38, 1-based): chr8:109,510,923, G>C. VCF-style: chr8-109510923-G-C. GRCh37 (hg19) VCF-style: chr8-110523152-G-C.
Other names: short protein forms D3848H.
Identifiers: ClinVar variation 4980974 (VCV004980974.1).

ClinVar aggregate classification (germline): Likely benign (1 of 4 stars; one submission).

Conditions:
PKHD1L1-related disorder. Also called: PKHD1L1-related condition.

gnomAD v4.1: 400 of 1,612,484 alleles (0.025%); highest among the groups gnomAD compares: African/African-American, 0.45%; 1 homozygote.

Submission:

PreventionGenetics, part of Exact Sciences
Classification: Likely benign for PKHD1L1-related condition. Last evaluated: 2026-07-14. Review status: criteria provided, single submitter. Criteria: ACMG Guidelines, 2015. Collection method: clinical testing. Allele origin: germline.
Comment: This variant is classified as likely benign based on ACMG/AMP sequence variant interpretation guidelines (Richards et al. 2015 PMID: 25741868, with internal and published modifications).